The following is an entry in ClinVar:

ClinVar aggregate classification (germline): Likely benign. Review status: criteria provided, multiple submitters, no conflicts (2 of 4 stars). 2 submissions from 2 submitters: Likely benign (2). Last evaluated 2026-05-01.

Conditions:
Neurofibromatosis, type 1 (NF1). Also called: Peripheral type neurofibromatosis; VON RECKLINGHAUSEN DISEASE; Neurofibromatosis, type I; NEUROFIBROMATOSIS, TYPE I, SOMATIC. Identifiers: Orphanet 636, MedGen C0027831, MONDO:0018975, OMIM 162200. Disease mechanism: loss of function.

Allele frequency attached by ClinVar (database versions not stated): gnomAD 0.00001.
gnomAD v4.1: 1 of 1,613,580 alleles (0.000062%); no homozygotes.

Submissions (2):

CeGaT Center for Human Genetics Tuebingen
Classification: Likely benign. Last evaluated: 2026-05-01. Review status: criteria provided, single submitter. Criteria: CeGaT Center For Human Genetics Tuebingen Variant Classification Criteria Version 2. Collection method: clinical testing. Allele origin: germline. Affected: yes. Observed: 1 variant allele.
Comment: NF1: BP4, BP7

Labcorp Genetics (formerly Invitae), Labcorp
Classification: Likely benign for Neurofibromatosis, type 1. Last evaluated: 2025-12-22. Review status: criteria provided, single submitter. Criteria: Invitae Variant Classification Sherloc (09022015). Collection method: clinical testing. Allele origin: germline.

NM_001042492.3(NF1):c.5880C>T (p.Cys1960=)

Gene: NF1 (neurofibromin 1; plus strand). Cytogenetic location: 17q11.2.
Variant type: single nucleotide variant.
Coding change: c.5880C>T on transcript NM_001042492.3 (MANE Select); coding-DNA position 5880, C replaced by T.
Protein change: p.Cys1960=; no amino-acid change (cysteine 1960 retained).
Molecular consequence: synonymous variant.
Genome position (GRCh38, 1-based): chr17:31,334,905, C>T. VCF-style: chr17-31334905-C-T. GRCh37 (hg19) VCF-style: chr17-29661923-C-T.
Other names: c.5817C>T, p.Cys1939= (NM_000267.4).
Identifiers: ClinVar variation 2163439 (VCV002163439.6), dbSNP rs1462287670, ClinGen allele CA499233744.
Genomic context (GRCh38, chr17:31,334,905, plus strand): 5'-ATTGAAACACCTTTGTTTGGAATACATGACTCCATGGCTGTCAAATCTAGTTCGTTTTTG[C>T]AAGCATAATGATGATGCCAAACGACAAAGAGTTACTGCTATTCTTGACAAGCTGATAACA-3'
Protein context (NP_001035957.1, residues 1950-1970): TPWLSNLVRF[Cys1960=]KHNDDAKRQR